The following is an entry in ClinVar:

ClinVar aggregate classification (germline): Uncertain significance (1 of 4 stars; one submission).

Conditions:
COG1 congenital disorder of glycosylation (CDG2G). Also called: CONGENITAL DISORDER OF GLYCOSYLATION, TYPE IIg; CDG IIg; CDGII/COG1 CEREBROCOSTOMANDIBULAR-LIKE SYNDROME. Identifiers: Orphanet 263508, MedGen C2931011, MONDO:0012637, OMIM 611209.

Allele frequency attached by ClinVar (database versions not stated): gnomAD exomes below 0.00001.
gnomAD v4.1: 1 of 1,614,122 alleles (0.000062%); highest among the groups gnomAD compares: Middle Eastern, 0.016%; no homozygotes.

Submission:

Labcorp Genetics (formerly Invitae), Labcorp
Classification: Uncertain significance for COG1 congenital disorder of glycosylation. Last evaluated: 2022-09-06. Review status: criteria provided, single submitter. Criteria: Invitae Variant Classification Sherloc (09022015). Collection method: clinical testing. Allele origin: germline.
Comment: In summary, the available evidence is currently insufficient to determine the role of this variant in disease. Therefore, it has been classified as a Variant of Uncertain Significance. Algorithms developed to predict the effect of missense changes on protein structure and function (SIFT, PolyPhen-2, Align-GVGD) all suggest that this variant is likely to be tolerated. This variant has not been reported in the literature in individuals affected with COG1-related conditions. This variant is present in population databases (no rsID available, gnomAD 0.0009%). This sequence change replaces serine, which is neutral and polar, with proline, which is neutral and non-polar, at codon 171 of the COG1 protein (p.Ser171Pro).

NM_018714.3(COG1):c.511T>C (p.Ser171Pro)

Gene: COG1 (component of oligomeric golgi complex 1; plus strand). Cytogenetic location: 17q25.1.
Variant type: single nucleotide variant.
Coding change: c.511T>C on transcript NM_018714.3 (MANE Select); coding-DNA position 511, T replaced by C.
Protein change: p.Ser171Pro; replaces serine 171 with proline.
Molecular consequence: missense variant.
Genome position (GRCh38, 1-based): chr17:73,196,702, T>C. VCF-style: chr17-73196702-T-C. GRCh37 (hg19) VCF-style: chr17-71192841-T-C.
Other names: short protein forms S171P.
Identifiers: ClinVar variation 2047623 (VCV002047623.4), dbSNP rs1206205919, ClinGen allele CA400883844.